The following is an entry in ClinVar:

ClinVar aggregate classification (germline): Uncertain significance. Review status: criteria provided, single submitter (1 of 4 stars). 2 submissions from 2 submitters: Uncertain significance (1). 1 of the submissions does not count toward it. Last evaluated 2024-01-24.

Conditions:
KNL1-related disorder. Also called: KNL1-related condition.

Allele frequency attached by ClinVar (database versions not stated): ExAC 0.00001; gnomAD exomes 0.00001; gnomAD 0.00003; TOPMed 0.00005.
gnomAD v4.1: 27 of 1,613,836 alleles (0.0017%); highest among the groups gnomAD compares: African/African-American, 0.032%; no homozygotes.

Submissions (2):

GeneDx
Classification: Uncertain significance. Last evaluated: 2024-01-24. Review status: criteria provided, single submitter. Criteria: GeneDx Variant Classification Process June 2021. Collection method: clinical testing. Allele origin: germline. Affected: yes.
Comment: Not observed at significant frequency in large population cohorts (gnomAD); In silico analysis supports that this missense variant does not alter protein structure/function; Has not been previously published as pathogenic or benign to our knowledge

PreventionGenetics, part of Exact Sciences
Classification: Uncertain significance for KNL1-related condition. Last evaluated: 2023-11-10. Review status: no assertion criteria provided. Collection method: clinical testing. Allele origin: germline. Not counted in ClinVar's aggregate classification.
Comment: The KNL1 c.4787A>C variant is predicted to result in the amino acid substitution p.Glu1596Ala. To our knowledge, this variant has not been reported in the literature. This variant is reported in 0.0065% of alleles in individuals of African descent in gnomAD. At this time, the clinical significance of this variant is uncertain due to the absence of conclusive functional and genetic evidence.

NM_144508.5(KNL1):c.4709A>C (p.Glu1570Ala)

Gene: KNL1 (kinetochore scaffold 1; plus strand). Cytogenetic location: 15q15.1.
Variant type: single nucleotide variant.
Coding change: c.4709A>C on transcript NM_144508.5 (MANE Select); coding-DNA position 4709, A replaced by C.
Protein change: p.Glu1570Ala; replaces glutamic acid 1570 with alanine.
Molecular consequence: missense variant.
Genome position (GRCh38, 1-based): chr15:40,624,973, A>C. VCF-style: chr15-40624973-A-C. GRCh37 (hg19) VCF-style: chr15-40917171-A-C.
Other names: c.4787A>C, p.Glu1596Ala (NM_170589.5); c.4787A>C (NM_170589.3); short protein forms E1570A, E1596A.
Identifiers: ClinVar variation 3034753 (VCV003034753.3), dbSNP rs746287674, ClinGen allele CA7483220.